The following is an entry in ClinVar:

ClinVar aggregate classification (germline): Uncertain significance (0 of 4 stars; one submission).

Conditions:
TUB-related disorder. Also called: TUB-related condition.

gnomAD v4.1: 4 of 1,614,064 alleles (0.00025%); highest among the groups gnomAD compares: Non-Finnish European, 0.00034%; no homozygotes.

Submission:

PreventionGenetics, part of Exact Sciences
Classification: Uncertain significance for TUB-related condition. Last evaluated: 2024-06-07. Review status: no assertion criteria provided. Collection method: clinical testing. Allele origin: germline.
Comment: The TUB c.1306G>A variant is predicted to result in the amino acid substitution p.Gly436Arg. To our knowledge, this variant has not been reported in the literature. This variant is reported in 0.0018% of alleles in individuals of European (Non-Finnish) descent in gnomAD. At this time, the clinical significance of this variant is uncertain due to the absence of conclusive functional and genetic evidence.

NM_177972.3(TUB):c.1141G>A (p.Gly381Arg)

Genes: RIC3 (RIC3 acetylcholine receptor chaperone; minus strand), TUB (TUB bipartite transcription factor; plus strand). Cytogenetic location: 11p15.4.
Variant type: single nucleotide variant.
Coding change: c.1141G>A on transcript NM_177972.3 (MANE Select); coding-DNA position 1141, G replaced by A.
Protein change: p.Gly381Arg; replaces glycine 381 with arginine.
Molecular consequence: missense variant.
Genome position (GRCh38, 1-based): chr11:8,100,527, G>A. VCF-style: chr11-8100527-G-A. GRCh37 (hg19) VCF-style: chr11-8122074-G-A.
Other names: c.1306G>A, p.Gly436Arg (NM_003320.5); short protein forms G381R, G436R.
Identifiers: ClinVar variation 3349306 (VCV003349306.1).